The following is an entry in ClinVar:

ClinVar aggregate classification (germline): Pathogenic (1 of 4 stars; one submission).

Conditions:
PMM2-congenital disorder of glycosylation. Also called: CDG Ia; JAEKEN SYNDROME; PHOSPHOMANNOMUTASE 2 DEFICIENCY; CARBOHYDRATE-DEFICIENT GLYCOPROTEIN SYNDROME, TYPE Ia; Congenital disorder of glycosylation, type Ia; PMM2-CDG. Identifiers: Orphanet 79318, MedGen C0349653, MONDO:0008907, OMIM 212065.

Submission:

Labcorp Genetics (formerly Invitae), Labcorp
Classification: Pathogenic for PMM2-congenital disorder of glycosylation. Last evaluated: 2023-01-16. Review status: criteria provided, single submitter. Criteria: Invitae Variant Classification Sherloc (09022015). Collection method: clinical testing. Allele origin: germline.
Comment: For these reasons, this variant has been classified as Pathogenic. This variant has not been reported in the literature in individuals affected with PMM2-related conditions. This variant is not present in population databases (gnomAD no frequency). This sequence change creates a premature translational stop signal (p.Asp78Metfs*18) in the PMM2 gene. It is expected to result in an absent or disrupted protein product. Loss-of-function variants in PMM2 are known to be pathogenic (PMID: 19862844).

Literature cited by the submitters: PubMed 19862844.

NM_000303.3(PMM2):c.231del (p.Asp78fs)

Gene: PMM2 (phosphomannomutase 2; plus strand). Cytogenetic location: 16p13.2.
Variant type: Deletion.
Coding change: c.231del on transcript NM_000303.3 (MANE Select); coding-DNA position 231, one base deleted (A; older notation c.231delA).
Protein change: p.Asp78fs; shifts the reading frame from aspartic acid 78.
Molecular consequence: frameshift variant.
Genome position (GRCh38, 1-based): chr16:8,804,819, A deleted; the last of 3 consecutive A bases (chr16:8,804,817-8,804,819); deleting any one gives the same sequence. VCF-style (leftmost placement, unchanged base first): chr16-8804816-CA-C. GRCh37 (hg19) VCF-style: chr16-8898673-CA-C.
Other names: short protein forms D78fs.
Identifiers: ClinVar variation 2828986 (VCV002828986.3), dbSNP rs2549144492, ClinGen allele CA2739266586.
Genomic context (GRCh38, chr16:8,804,816, plus strand): 5'-TTTGATTGTAGTGGTTGAAAAATACGATTATGTGTTTCCAGAAAATGGCTTGGTAGCATA[CA>C]AAGATGGGAAACTCTTGTGTAGACAGGTAGGTTCTTGAGTATCTGAATTACTATATACTA-3'